The following is an entry in ClinVar:

ClinVar aggregate classification (germline): Uncertain significance. Review status: criteria provided, single submitter (1 of 4 stars). 2 submissions from 2 submitters: Uncertain significance (1). 1 of the submissions does not count toward it. Last evaluated 2025-07-30.

Conditions:
NOTCH2-related disorder. Also called: NOTCH2-related condition.
Hajdu-Cheney syndrome (HJCYS). Also called: ACROOSTEOLYSIS WITH OSTEOPOROSIS AND CHANGES IN SKULL AND MANDIBLE; Acroosteolysis dominant type; SERPENTINE FIBULA-POLYCYSTIC KIDNEY SYNDROME. Identifiers: Orphanet 955, MedGen C0917715, MONDO:0007057, OMIM 102500.

Allele frequency attached by ClinVar (database versions not stated): ExAC 0.00002; gnomAD exomes 0.00001.
gnomAD v4.1: 12 of 1,614,108 alleles (0.00074%); highest among the groups gnomAD compares: South Asian, 0.0022%; no homozygotes.

Submissions (2):

Labcorp Genetics (formerly Invitae), Labcorp
Classification: Uncertain significance for Hajdu-Cheney syndrome. Last evaluated: 2025-07-30. Review status: criteria provided, single submitter. Criteria: Invitae Variant Classification Sherloc (09022015). Collection method: clinical testing. Allele origin: germline.
Comment: This sequence change replaces glutamic acid, which is acidic and polar, with lysine, which is basic and polar, at codon 723 of the NOTCH2 protein (p.Glu723Lys). This variant is present in population databases (rs782139286, gnomAD 0.006%). This variant has not been reported in the literature in individuals affected with NOTCH2-related conditions. ClinVar contains an entry for this variant (Variation ID: 2873827). Invitae Evidence Modeling of protein sequence and biophysical properties (such as structural, functional, and spatial information, amino acid conservation, physicochemical variation, residue mobility, and thermodynamic stability) indicates that this missense variant is not expected to disrupt NOTCH2 protein function with a negative predictive value of 80%. In summary, the available evidence is currently insufficient to determine the role of this variant in disease. Therefore, it has been classified as a Variant of Uncertain Significance.

PreventionGenetics, part of Exact Sciences
Classification: Uncertain significance for NOTCH2-related condition. Last evaluated: 2024-03-07. Review status: no assertion criteria provided. Collection method: clinical testing. Allele origin: germline. Not counted in ClinVar's aggregate classification.
Comment: The NOTCH2 c.2167G>A variant is predicted to result in the amino acid substitution p.Glu723Lys. To our knowledge, this variant has not been reported in the literature. This variant is reported in 0.0065% of alleles in individuals of South Asian descent in gnomAD. At this time, the clinical significance of this variant is uncertain due to the absence of conclusive functional and genetic evidence.

NM_024408.4(NOTCH2):c.2167G>A (p.Glu723Lys)

Gene: NOTCH2 (notch receptor 2; minus strand). Cytogenetic location: 1p12.
Variant type: single nucleotide variant.
Coding change: c.2167G>A on transcript NM_024408.4 (MANE Select); coding-DNA position 2167, G replaced by A.
Protein change: p.Glu723Lys; replaces glutamic acid 723 with lysine.
Molecular consequence: missense variant.
Genome position (GRCh38, 1-based): chr1:119,955,092, C>T on the plus strand (G>A on the coding strand, the complement: NOTCH2 is on the minus strand). VCF-style: chr1-119955092-C-T. GRCh37 (hg19) VCF-style: chr1-120497715-C-T.
Other names: c.2167G>A, p.Glu723Lys (NM_001200001.2); c.2167G>A (NM_024408.3); short protein forms E723K.
Identifiers: ClinVar variation 2873827 (VCV002873827.4), dbSNP rs782139286, ClinGen allele CA1040370.